The following is an entry in ClinVar:

NM_001164508.2(NEB):c.3359T>C (p.Ile1120Thr)

Gene: NEB (nebulin; minus strand). Cytogenetic location: 2q23.3.
Variant type: single nucleotide variant.
Coding change: c.3359T>C on transcript NM_001164508.2 (MANE Select); coding-DNA position 3359, T replaced by C.
Protein change: p.Ile1120Thr; replaces isoleucine 1120 with threonine.
Molecular consequence: missense variant.
Genome position (GRCh38, 1-based): chr2:151,678,084, A>G on the plus strand (T>C on the coding strand, the complement: NEB is on the minus strand). VCF-style: chr2-151678084-A-G. GRCh37 (hg19) VCF-style: chr2-152534598-A-G.
Other names: c.3359T>C, p.Ile1120Thr (NM_001164507.2, NM_001271208.2, NM_004543.5); short protein forms I1120T.
Identifiers: ClinVar variation 3624459 (VCV003624459.2).

ClinVar aggregate classification (germline): Uncertain significance (1 of 4 stars; one submission).

Conditions:
Nemaline myopathy 2 (NEM2). Also called: Nemaline myopathy 2, autosomal recessive. Identifiers: MedGen C1850569, MONDO:0009725, OMIM 256030.

gnomAD v4.1: 3 of 1,613,754 alleles (0.00019%); highest among the groups gnomAD compares: African/African-American, 0.004%; no homozygotes.

Submission:

Labcorp Genetics (formerly Invitae), Labcorp
Classification: Uncertain significance for Nemaline myopathy 2. Last evaluated: 2026-01-11. Review status: criteria provided, single submitter. Criteria: Invitae Variant Classification Sherloc (09022015). Collection method: clinical testing. Allele origin: germline.
Comment: This sequence change replaces isoleucine, which is neutral and non-polar, with threonine, which is neutral and polar, at codon 1120 of the NEB protein (p.Ile1120Thr). This variant is not present in population databases (gnomAD no frequency). This variant has not been reported in the literature in individuals affected with NEB-related conditions. ClinVar contains an entry for this variant (Variation ID: 3624459). An algorithm developed to predict the effect of missense changes on protein structure and function outputs the following: PolyPhen-2: "Not Available". The threonine amino acid residue is found in multiple mammalian species, which suggests that this missense change does not adversely affect protein function. In summary, the available evidence is currently insufficient to determine the role of this variant in disease. Therefore, it has been classified as a Variant of Uncertain Significance.